The following is an entry in ClinVar:

ClinVar aggregate classification (germline): Likely benign (1 of 4 stars; one submission).

Submission:

Women's Health and Genetics/Laboratory Corporation of America, LabCorp
Classification: Likely benign. Last evaluated: 2024-11-11. Review status: criteria provided, single submitter. Criteria: LabCorp Variant Classification Summary - May 2015. Collection method: clinical testing. Allele origin: germline.
Comment: Variant summary: BTK c.392-14_392-12delCTT alters a nucleotide located at a position not widely known to affect splicing. Consensus agreement among computation tools predict no significant impact on normal splicing. However, these predictions have yet to be confirmed by functional studies. The variant allele was found at a frequency of 5.5e-06 in 182963 control chromosomes. The available data on variant occurrences in the general population are insufficient to allow any conclusion about variant significance. To our knowledge, no occurrence of c.392-14_392-12delCTT in individuals affected with X-Linked Agammaglobulinemia and no experimental evidence demonstrating its impact on protein function have been reported. No submitters have cited clinical-significance assessments for this variant to ClinVar. Based on the evidence outlined above, the variant was classified as likely benign.

NM_000061.3(BTK):c.392-14_392-12del

Gene: BTK (Bruton tyrosine kinase; minus strand). Cytogenetic location: Xq22.1.
Variant type: Microsatellite.
Coding change: c.392-14_392-12del on transcript NM_000061.3 (MANE Select); 14 bases into the intron before coding-DNA position 392 through 12 bases into the intron before coding-DNA position 392, 3 bases deleted (CTT; older notation c.392-14_392-12delCTT).
Molecular consequence: intron variant.
Genome position (GRCh38, 1-based): chrX:101,362,701-101,362,703, AAG deleted on the plus strand (CTT on the coding strand, the reverse complement: BTK is on the minus strand); deleting any 3 consecutive bases within chrX:101,362,701-101,362,707 gives the same sequence; the c. name uses the placement nearest the transcript's 3' end. VCF-style (leftmost placement, unchanged base first): chrX-101362700-AAAG-A. GRCh37 (hg19) VCF-style: chrX-100617688-AAAG-A.
Other names: c.494-14_494-12del (NM_001287344.2); c.392-14_392-12del (NM_001287345.2); c.392-14_392-12delCTT (NM_000061.3).
Identifiers: ClinVar variation 3629723 (VCV003629723.1).